The following is an entry in ClinVar:

NM_024685.4(BBS10):c.1088C>T (p.Pro363Leu)

Gene: BBS10 (Bardet-Biedl syndrome 10; minus strand). Cytogenetic location: 12q21.2.
Variant type: single nucleotide variant.
Coding change: c.1088C>T on transcript NM_024685.4 (MANE Select); coding-DNA position 1088, C replaced by T.
Protein change: p.Pro363Leu; replaces proline 363 with leucine.
Molecular consequence: missense variant.
Genome position (GRCh38, 1-based): chr12:76,346,897, G>A on the plus strand (C>T on the coding strand, the complement: BBS10 is on the minus strand). VCF-style: chr12-76346897-G-A. GRCh37 (hg19) VCF-style: chr12-76740677-G-A.
Other names: c.1088C>T, p.Pro363Leu (LRG_1255t1); short protein forms P363L.
Identifiers: ClinVar variation 595700 (VCV000595700.10), dbSNP rs938066133, ClinGen allele CA239332081.
Genomic context (GRCh38, chr12:76,346,897, plus strand): 5'-TGAACATATCTTTTGGATCTAAGGATAAGAGGTTTACAAAATTTCACCAAAGCAGTGTTA[G>A]GTATTTCACACTGCGAAAAGGCCTGTGGTGGTACAAATGGAGAAAGACCAATGATCCTCC-3'
Protein context (NP_078961.3, residues 353-373): PPQAFSQCEI[Pro363Leu]NTALVKFCKP

ClinVar aggregate classification (germline): Uncertain significance. Review status: criteria provided, multiple submitters, no conflicts (2 of 4 stars). 4 submissions from 4 submitters: Uncertain significance (4). Last evaluated 2025-05-14.

Conditions:
BBS10-related disorder. Also called: BBS10-related condition.
Bardet-Biedl syndrome (BBS). Identifiers: Orphanet 110, MedGen C0752166, MONDO:0015229.

Allele frequency attached by ClinVar (database versions not stated): gnomAD exomes below 0.00001; gnomAD 0.00001; TOPMed 0.00001.

Submissions (4):

PreventionGenetics, part of Exact Sciences
Classification: Uncertain significance for BBS10-related condition. Last evaluated: 2025-05-14. Review status: criteria provided, single submitter. Criteria: ACMG Guidelines, 2015. Collection method: clinical testing. Allele origin: germline.
Comment: The BBS10 c.1088C>T variant is predicted to result in the amino acid substitution p.Pro363Leu. This variant, along with the missense variant c.986C>T (p.Ser329Leu) and a frameshift variant (p.C91fs*95), was reported in an individual with Bardet-Biedl syndrome (Supplementary Table 1, Stoetzel et al. 2006. PubMed ID: 16582908). A functional study reported that this variant is a hypomorphic variant (Supplementary Table 5, Zaghloul et al. 2010. PubMed ID: 20498079). This variant has not been reported in a large population database, indicating this variant is rare. Although we suspect that this variant may be pathogenic, at this time, the clinical significance of this variant is uncertain due to the absence of conclusive functional and genetic evidence.

Labcorp Genetics (formerly Invitae), Labcorp
Classification: Uncertain significance for Bardet-Biedl syndrome. Last evaluated: 2024-05-18. Review status: criteria provided, single submitter. Criteria: Invitae Variant Classification Sherloc (09022015). Collection method: clinical testing. Allele origin: germline.
Comment: This sequence change replaces proline, which is neutral and non-polar, with leucine, which is neutral and non-polar, at codon 363 of the BBS10 protein (p.Pro363Leu). This variant is not present in population databases (gnomAD no frequency). This missense change has been observed in individual(s) with clinical features of Bardet-Biedl syndrome (PMID: 16582908). ClinVar contains an entry for this variant (Variation ID: 595700). Advanced modeling of protein sequence and biophysical properties (such as structural, functional, and spatial information, amino acid conservation, physicochemical variation, residue mobility, and thermodynamic stability) performed at Invitae indicates that this missense variant is not expected to disrupt BBS10 protein function with a negative predictive value of 80%. Experimental studies are conflicting or provide insufficient evidence to determine the effect of this variant on BBS10 function (PMID: 20080638, 20498079). In summary, the available evidence is currently insufficient to determine the role of this variant in disease. Therefore, it has been classified as a Variant of Uncertain Significance.

GeneDx
Classification: Uncertain significance. Last evaluated: 2019-04-26. Review status: criteria provided, single submitter. Criteria: GeneDx Variant Classification Process June 2021. Collection method: clinical testing. Allele origin: germline. Affected: yes.
Comment: Not observed in large population cohorts (Lek et al., 2016); In silico analysis, which includes protein predictors and evolutionary conservation, supports that this variant does not alter protein structure/function; A published functional study suggests that P363L is a hypomorphic variant (Zaghloul et al., 2010); Identified in an individual with Bardet-Biedl syndrome who also had the S329L and c.271dupT variants, but it is not known whether these variants occurred on the same (in cis) or on different (in trans) chromosomes (Stoetzel et al., 2006); This variant is associated with the following publications: (PMID: 20498079, 16582908)

Eurofins Ntd Llc (ga)
Classification: Uncertain significance. Last evaluated: 2018-01-30. Review status: criteria provided, single submitter. Criteria: EGL Classification Definitions 2015. Collection method: clinical testing. Allele origin: germline. Observed: 1 variant allele, 1 heterozygote.

Literature cited by the submitters: PubMed 16582908 (cited by Labcorp Genetics (formerly Invitae), Labcorp); PubMed 20080638 (cited by Labcorp Genetics (formerly Invitae), Labcorp); PubMed 20498079 (cited by Labcorp Genetics (formerly Invitae), Labcorp).